The following is an entry in ClinVar:

ClinVar aggregate classification (germline): Uncertain significance. Review status: criteria provided, multiple submitters, no conflicts (2 of 4 stars). 3 submissions from 3 submitters: Uncertain significance (3). Last evaluated 2025-05-17.

Conditions:
Inborn genetic diseases. Identifiers: MedGen C0950123, MeSH D030342.

gnomAD v4.1: 64 of 1,573,990 alleles (0.0041%); highest among the groups gnomAD compares: South Asian, 0.037%; no homozygotes.

Submissions (3):

Ambry Genetics
Classification: Uncertain significance for Inborn genetic diseases. Last evaluated: 2025-05-17. Review status: criteria provided, single submitter. Criteria: Ambry Variant Classification Scheme 2023. Collection method: clinical testing. Allele origin: germline.

Labcorp Genetics (formerly Invitae), Labcorp
Classification: Uncertain significance. Last evaluated: 2024-12-31. Review status: criteria provided, single submitter. Criteria: Invitae Variant Classification Sherloc (09022015). Collection method: clinical testing. Allele origin: germline.
Comment: This sequence change replaces glycine, which is neutral and non-polar, with serine, which is neutral and polar, at codon 183 of the CEACAM16 protein (p.Gly183Ser). This variant is present in population databases (rs769502146, gnomAD 0.04%). This variant has not been reported in the literature in individuals affected with CEACAM16-related conditions. Invitae Evidence Modeling of protein sequence and biophysical properties (such as structural, functional, and spatial information, amino acid conservation, physicochemical variation, residue mobility, and thermodynamic stability) indicates that this missense variant is not expected to disrupt CEACAM16 protein function with a negative predictive value of 80%. In summary, the available evidence is currently insufficient to determine the role of this variant in disease. Therefore, it has been classified as a Variant of Uncertain Significance.

Blueprint Genetics
Classification: Uncertain significance. Last evaluated: 2022-01-11. Review status: criteria provided, single submitter. Criteria: ACMG Guidelines, 2015. Collection method: clinical testing. Allele origin: germline.

NM_001039213.4(CEACAM16):c.547G>A (p.Gly183Ser)

Genes: CEACAM16 (CEA cell adhesion molecule 16, tectorial membrane component; plus strand), CEACAM16-AS1 (CEACAM16, CEACAM19 and PVR antisense RNA 1; minus strand). Cytogenetic location: 19q13.32.
Variant type: single nucleotide variant.
Coding change: c.547G>A on transcript NM_001039213.4 (MANE Select); coding-DNA position 547, G replaced by A.
Protein change: p.Gly183Ser; replaces glycine 183 with serine.
Molecular consequence: missense variant.
Genome position (GRCh38, 1-based): chr19:44,704,182, G>A. VCF-style: chr19-44704182-G-A. GRCh37 (hg19) VCF-style: chr19-45207452-G-A.
Other names: c.547G>A (NM_001039213.2); short protein forms G183S.
Identifiers: ClinVar variation 3719445 (VCV003719445.4).